The following is an entry in ClinVar:

NM_001385641.1(SAMD11):c.2375A>G (p.Glu792Gly)

Gene: SAMD11 (sterile alpha motif domain containing 11; plus strand). Cytogenetic location: 1p36.33.
Variant type: single nucleotide variant.
Coding change: c.2375A>G on transcript NM_001385641.1 (MANE Select); coding-DNA position 2375, A replaced by G.
Protein change: p.Glu792Gly; replaces glutamic acid 792 with glycine.
Molecular consequence: missense variant.
Genome position (GRCh38, 1-based): chr1:943,993, A>G. VCF-style: chr1-943993-A-G. GRCh37 (hg19) VCF-style: chr1-879373-A-G.
Other names: c.2378A>G, p.Glu793Gly (NM_001385640.1); c.1886A>G, p.Glu629Gly (NM_152486.4); short protein forms E629G, E792G, E793G.
Identifiers: ClinVar variation 1955952 (VCV001955952.3), dbSNP rs762963735, ClinGen allele CA503367.

ClinVar aggregate classification (germline): Uncertain significance (1 of 4 stars; one submission).

Allele frequency attached by ClinVar (database versions not stated): gnomAD 0.00004.
gnomAD v4.1: 38 of 1,612,654 alleles (0.0024%); highest among the groups gnomAD compares: Middle Eastern, 0.016%; no homozygotes.

Submission:

Labcorp Genetics (formerly Invitae), Labcorp
Classification: Uncertain significance. Last evaluated: 2023-08-10. Review status: criteria provided, single submitter. Criteria: Invitae Variant Classification Sherloc (09022015). Collection method: clinical testing. Allele origin: germline.
Comment: This sequence change replaces glutamic acid, which is acidic and polar, with glycine, which is neutral and non-polar, at codon 629 of the SAMD11 protein (p.Glu629Gly). This variant is present in population databases (rs762963735, gnomAD 0.009%). This variant has not been reported in the literature in individuals affected with SAMD11-related conditions. In summary, the available evidence is currently insufficient to determine the role of this variant in disease. Therefore, it has been classified as a Variant of Uncertain Significance. An algorithm developed to predict the effect of missense changes on protein structure and function (PolyPhen-2) suggests that this variant is likely to be disruptive.